The following is an entry in ClinVar:

NM_000334.4(SCN4A):c.5154C>G (p.Ile1718Met)

Genes: GH-LCR (growth hormone locus control region; plus strand), SCN4A (sodium voltage-gated channel alpha subunit 4; minus strand). Cytogenetic location: 17q23.3.
Variant type: single nucleotide variant.
Coding change: c.5154C>G on transcript NM_000334.4 (MANE Select); coding-DNA position 5154, C replaced by G.
Protein change: p.Ile1718Met; replaces isoleucine 1718 with methionine.
Molecular consequence: missense variant.
Genome position (GRCh38, 1-based): chr17:63,941,128, G>C on the plus strand (C>G on the coding strand, the complement: SCN4A is on the minus strand). VCF-style: chr17-63941128-G-C. GRCh37 (hg19) VCF-style: chr17-62018488-G-C.
Other names: short protein forms I1718M.
Identifiers: ClinVar variation 1050912 (VCV001050912.10), dbSNP rs2144773462, ClinGen allele CA400613749.
Genomic context (GRCh38, chr17:63,941,128, plus strand): 5'-GTAGGCCCTCTGGATCTTGATGGCGCACACCTCCTCGTGCTTCCTCTTGAGGGTGGTGGT[G>C]ATGGGCTCGTAGGACACCTTGGAGGGGTTGGCTGCCATGAACTTCTCCTCCATGGTCTGC-3'
Protein context (NP_000325.4, residues 1708-1728): ANPSKVSYEP[Ile1718Met]TTTLKRKHEE

ClinVar aggregate classification (germline): Uncertain significance. Review status: criteria provided, multiple submitters, no conflicts (2 of 4 stars). 2 submissions from 2 submitters: Uncertain significance (2). Last evaluated 2023-06-05.

Conditions:
Hyperkalemic periodic paralysis. Also called: Familial hyperkalemic periodic paralysis; Gamstorp disease. Identifiers: Orphanet 682, MedGen C0238357, MONDO:0008224, OMIM 170500, HP:0007215.

Submissions (2):

GeneDx
Classification: Uncertain significance. Last evaluated: 2023-06-05. Review status: criteria provided, single submitter. Criteria: GeneDx Variant Classification Process June 2021. Collection method: clinical testing. Allele origin: germline. Affected: yes.
Comment: Not observed at significant frequency in large population cohorts (gnomAD); In silico analysis supports that this missense variant does not alter protein structure/function; Has not been previously published as pathogenic or benign to our knowledge

Labcorp Genetics (formerly Invitae), Labcorp
Classification: Uncertain significance for Hyperkalemic periodic paralysis. Last evaluated: 2022-06-13. Review status: criteria provided, single submitter. Criteria: Invitae Variant Classification Sherloc (09022015). Collection method: clinical testing. Allele origin: germline.
Comment: In summary, the available evidence is currently insufficient to determine the role of this variant in disease. Therefore, it has been classified as a Variant of Uncertain Significance. Algorithms developed to predict the effect of missense changes on protein structure and function are either unavailable or do not agree on the potential impact of this missense change (SIFT: "Deleterious"; PolyPhen-2: "Probably Damaging"; Align-GVGD: "Class C0"). ClinVar contains an entry for this variant (Variation ID: 1050912). This variant has not been reported in the literature in individuals affected with SCN4A-related conditions. This variant is not present in population databases (gnomAD no frequency). This sequence change replaces isoleucine, which is neutral and non-polar, with methionine, which is neutral and non-polar, at codon 1718 of the SCN4A protein (p.Ile1718Met).